The following is an entry in ClinVar:

NM_007215.4(POLG2):c.457_458del (p.Leu153fs)

Genes: MILR1 (mast cell immunoglobulin like receptor 1; plus strand), POLG2 (DNA polymerase gamma 2, accessory subunit; minus strand). Cytogenetic location: 17q23.3.
Variant type: Microsatellite.
Coding change: c.457_458del on transcript NM_007215.4 (MANE Select); coding-DNA positions 457 to 458, 2 bases deleted (CT; older notation c.457_458delCT).
Protein change: p.Leu153fs; shifts the reading frame from leucine 153.
Molecular consequence: frameshift variant.
Genome position (GRCh38, 1-based): chr17:64,496,511-64,496,512, AG deleted on the plus strand (CT on the coding strand, the reverse complement: POLG2 is on the minus strand); deleting any 2 consecutive bases within chr17:64,496,511-64,496,514 gives the same sequence; the c. name uses the placement nearest the transcript's 3' end. VCF-style (leftmost placement, unchanged base first): chr17-64496510-TAG-T. GRCh37 (hg19) VCF-style: chr17-62492628-TAG-T.
Other names: short protein forms L153fs.
Identifiers: ClinVar variation 1982168 (VCV001982168.4), dbSNP rs1568093387, ClinGen allele CA627151070.

ClinVar aggregate classification (germline): Pathogenic (1 of 4 stars; one submission).

Submission:

Labcorp Genetics (formerly Invitae), Labcorp
Classification: Pathogenic. Last evaluated: 2022-08-07. Review status: criteria provided, single submitter. Criteria: Invitae Variant Classification Sherloc (09022015). Collection method: clinical testing. Allele origin: germline.
Comment: This variant has not been reported in the literature in individuals affected with POLG2-related conditions. This variant is present in population databases (no rsID available, gnomAD 0.007%). This sequence change creates a premature translational stop signal (p.Leu153Thrfs*11) in the POLG2 gene. It is expected to result in an absent or disrupted protein product. Loss-of-function variants in POLG2 are known to be pathogenic (PMID: 28078310, 29625556). For these reasons, this variant has been classified as Pathogenic.

Literature cited by the submitters: PubMed 28078310; PubMed 29625556.